The following is an entry in ClinVar:

NM_001127222.2(CACNA1A):c.1198+4A>G

Gene: CACNA1A (calcium voltage-gated channel subunit alpha1 A; minus strand). Cytogenetic location: 19p13.13.
Variant type: single nucleotide variant.
Coding change: c.1198+4A>G on transcript NM_001127222.2 (MANE Select); 4 bases into the intron after coding-DNA position 1198, A replaced by G.
Molecular consequence: intron variant.
Genome position (GRCh38, 1-based): chr19:13,334,374, T>C on the plus strand (A>G on the coding strand, the complement: CACNA1A is on the minus strand). VCF-style: chr19-13334374-T-C. GRCh37 (hg19) VCF-style: chr19-13445188-T-C.
Other names: c.1198+4A>G (NM_001127221.2, NM_001174080.2, NM_000068.4 and 1 more transcripts).
Identifiers: ClinVar variation 1709844 (VCV001709844.2), dbSNP rs2513048798, ClinGen allele CA2580096598.

ClinVar aggregate classification (germline): Uncertain significance (1 of 4 stars; one submission).

Conditions:
Episodic ataxia type 2 (EA2). Also called: EPISODIC ATAXIA, NYSTAGMUS-ASSOCIATED; ATAXIA, EPISODIC, WITH NYSTAGMUS; ATAXIA, FAMILIAL PAROXYSMAL; ACETAZOLAMIDE-RESPONSIVE HEREDITARY PAROXYSMAL CEREBELLAR ATAXIA; CEREBELLAR ATAXIA, PAROXYSMAL, ACETAZOLAMIDE-RESPONSIVE; CEREBELLOPATHY, HEREDITARY PAROXYSMAL. Identifiers: Orphanet 97, MedGen C1720416, MONDO:0007163, OMIM 108500.

Submission:

MGZ Medical Genetics Center
Classification: Uncertain significance for Episodic ataxia type 2. Last evaluated: 2021-08-18. Review status: criteria provided, single submitter. Criteria: ACMG Guidelines, 2015. Collection method: clinical testing. Allele origin: germline. Affected: yes. Observed: 1 variant allele.
Comment: ACMG criteria applied: PM2_SUP, PP3